The following is an entry in ClinVar:

ClinVar aggregate classification (germline): Uncertain significance (1 of 4 stars; one submission).

Submission:

Mayo Clinic Laboratories, Mayo Clinic
Classification: Uncertain significance. Last evaluated: 2025-11-27. Review status: criteria provided, single submitter. Criteria: ACMG Guidelines, 2015. Collection method: clinical testing. Allele origin: germline. Observed: 1 variant allele.
Comment: PP3_moderate, PM2_supporting, PM5

Literature cited by the submitters: PubMed 19473408; PubMed 20193250; PubMed 30997536; PubMed 32897612; PubMed 8547094.

NM_000132.4(F8):c.881C>A (p.Thr294Lys)

Gene: F8 (coagulation factor VIII; minus strand). Cytogenetic location: Xq28.
Variant type: single nucleotide variant.
Coding change: c.881C>A on transcript NM_000132.4 (MANE Select); coding-DNA position 881, C replaced by A.
Protein change: p.Thr294Lys; replaces threonine 294 with lysine.
Molecular consequence: missense variant.
Genome position (GRCh38, 1-based): chrX:154,969,459, G>T on the plus strand (C>A on the coding strand, the complement: F8 is on the minus strand). VCF-style: chrX-154969459-G-T. GRCh37 (hg19) VCF-style: chrX-154197734-G-T.
Other names: p.Thr294Lys; short protein forms T294K.
Identifiers: ClinVar variation 4542524 (VCV004542524.1).
Genomic context (GRCh38, chrX:154,969,459, plus strand): 5'-GTAAGGAAAGTTATTGGCGAGATTTCCAAGGACGCCTGGCGATGGTTCCTCACAAGAAAT[G>T]TGTGACCTTCGAGGAATATTGAGTGCACTTCAGGAGTGGTGCCCATTCCAATCACATGCC-3'
Protein context (NP_000123.1, residues 284-304): EVHSIFLEGH[Thr294Lys]FLVRNHRQAS